The following is an entry in ClinVar:

ClinVar aggregate classification (germline): Conflicting classifications of pathogenicity. Review status: criteria provided, conflicting classifications (1 of 4 stars). 4 submissions from 4 submitters: Uncertain significance (3); Likely benign (1). Last evaluated 2026-02-05.

Conditions:
Hereditary cancer-predisposing syndrome. Also called: Hereditary neoplastic syndrome; Hereditary Cancer Syndrome; Neoplastic Syndromes, Hereditary; Tumor predisposition. Identifiers: Orphanet 140162, MedGen C0027672, MeSH D009386, MONDO:0015356.
Familial adenomatous polyposis 2. Also called: MYH-associated polyposis; COLORECTAL ADENOMATOUS POLYPOSIS, AUTOSOMAL RECESSIVE; ADENOMAS, MULTIPLE COLORECTAL, AUTOSOMAL RECESSIVE; MUTYH-related attenuated familial adenomatous polyposis; Adenomas, multiple colorectal; FAP type 2. Identifiers: Orphanet 220460, Orphanet 247798, MedGen C3272841, MONDO:0012041, OMIM 608456.

Submissions (4):

Ambry Genetics
Classification: Likely benign for Hereditary cancer-predisposing syndrome. Last evaluated: 2026-02-05. Review status: criteria provided, single submitter. Criteria: Ambry Variant Classification Scheme 2023. Collection method: clinical testing. Allele origin: germline.

Labcorp Genetics (formerly Invitae), Labcorp
Classification: Uncertain significance for Familial adenomatous polyposis 2. Last evaluated: 2024-10-15. Review status: criteria provided, single submitter. Criteria: Invitae Variant Classification Sherloc (09022015). Collection method: clinical testing. Allele origin: germline.
Comment: This sequence change replaces methionine, which is neutral and non-polar, with leucine, which is neutral and non-polar, at codon 524 of the MUTYH protein (p.Met524Leu). This variant is not present in population databases (gnomAD no frequency). This variant has not been reported in the literature in individuals affected with MUTYH-related conditions. ClinVar contains an entry for this variant (Variation ID: 492024). An algorithm developed to predict the effect of missense changes on protein structure and function outputs the following: PolyPhen-2: "Benign". The leucine amino acid residue is found in multiple mammalian species, which suggests that this missense change does not adversely affect protein function. In summary, the available evidence is currently insufficient to determine the role of this variant in disease. Therefore, it has been classified as a Variant of Uncertain Significance.

Color Diagnostics, LLC DBA Color Health
Classification: Uncertain significance for Hereditary cancer-predisposing syndrome. Last evaluated: 2023-12-05. Review status: criteria provided, single submitter. Criteria: ACMG Guidelines, 2015. Collection method: clinical testing. Allele origin: germline.
Comment: This missense variant replaces methionine with leucine at codon 524 of the MUTYH protein. Computational prediction suggests that this variant may not impact protein structure and function (internally defined REVEL score threshold <= 0.5, PMID: 27666373). To our knowledge, functional studies have not been reported for this variant. This variant has not been reported in individuals affected with MUTYH-related disorders in the literature. This variant has not been identified in the general population by the Genome Aggregation Database (gnomAD). The available evidence is insufficient to determine the role of this variant in disease conclusively. Therefore, this variant is classified as a Variant of Uncertain Significance.

All of Us Research Program, National Institutes of Health
Classification: Uncertain significance for Familial adenomatous polyposis 2. Last evaluated: 2023-11-30. Review status: criteria provided, single submitter. Criteria: ACMG Guidelines, 2015. Collection method: clinical testing. Allele origin: germline. Inheritance: Autosomal recessive inheritance. Observed: 1 variant allele, 1 heterozygote.
Comment: This study involves interpretation of variants in research participants for the purpose of population health screening. Participant phenotype was not available at the time of variant classification. Additional details can be found in publication PMID: 35346344, PMCID: PMC8962531

NM_001048174.2(MUTYH):c.1486A>C (p.Met496Leu)

Gene: MUTYH (mutY DNA glycosylase; minus strand). Cytogenetic location: 1p34.1.
Variant type: single nucleotide variant.
Coding change: c.1486A>C on transcript NM_001048174.2 (MANE Select); coding-DNA position 1486, A replaced by C.
Protein change: p.Met496Leu; replaces methionine 496 with leucine.
Molecular consequence: missense variant. On other transcripts: non-coding transcript variant (2).
Genome position (GRCh38, 1-based): chr1:45,329,386, T>G on the plus strand (A>C on the coding strand, the complement: MUTYH is on the minus strand). VCF-style: chr1-45329386-T-G. GRCh37 (hg19) VCF-style: chr1-45795058-T-G.
Other names: c.1486A>C, p.Met496Leu (NM_001048171.2, NM_001048173.2, NM_001293195.2); c.1489A>C, p.Met497Leu (NM_001048172.2); c.1570A>C, p.Met524Leu (NM_001128425.2); c.1531A>C, p.Met511Leu (NM_001293190.2); c.1519A>C, p.Met507Leu (NM_001293191.2); c.1210A>C, p.Met404Leu (NM_001293192.2, NM_001293196.2); c.1141A>C, p.Met381Leu (NM_001350650.2, NM_001350651.2); c.1561A>C, p.Met521Leu (NM_012222.3); short protein forms M524L, M511L, M521L, M507L, M404L, M496L, M381L, M497L.
Identifiers: ClinVar variation 492024 (VCV000492024.13), dbSNP rs587780080, ClinGen allele CA340131758.
Genomic context (GRCh38, chr1:45,329,386, plus strand): 5'-GGCTGTGTGCATCAGTGGAGATGTGAGACCGAAAGAAATTATCCAGGACTTGCTGGCCCA[T>G]GCGGGGCTTTTTCCGACTGCACGGAGAGGACACCTGGGACCTTTTGGAACCCTGTGAAAA-3'
Protein context (NP_001041639.1, residues 486-506): SSPCSRKKPR[Met496Leu]GQQVLDNFFR